The following is an entry in ClinVar:

ClinVar aggregate classification (germline): Uncertain significance. Review status: criteria provided, multiple submitters, no conflicts (2 of 4 stars). 2 submissions from 2 submitters: Uncertain significance (2). Last evaluated 2025-05-19.

Conditions:
Inborn genetic diseases. Identifiers: MedGen C0950123, MeSH D030342.

Submissions (2):

Ambry Genetics
Classification: Uncertain significance for Inborn genetic diseases. Last evaluated: 2025-05-19. Review status: criteria provided, single submitter. Criteria: Ambry Variant Classification Scheme 2023. Collection method: clinical testing. Allele origin: germline.

Labcorp Genetics (formerly Invitae), Labcorp
Classification: Uncertain significance. Last evaluated: 2022-11-17. Review status: criteria provided, single submitter. Criteria: Invitae Variant Classification Sherloc (09022015). Collection method: clinical testing. Allele origin: germline.
Comment: This sequence change replaces arginine, which is basic and polar, with proline, which is neutral and non-polar, at codon 30 of the ADCY1 protein (p.Arg30Pro). The frequency data for this variant in the population databases is considered unreliable, as metrics indicate insufficient coverage at this position in the gnomAD database. This variant has not been reported in the literature in individuals affected with ADCY1-related conditions. Algorithms developed to predict the effect of missense changes on protein structure and function (SIFT, PolyPhen-2, Align-GVGD) all suggest that this variant is likely to be tolerated. In summary, the available evidence is currently insufficient to determine the role of this variant in disease. Therefore, it has been classified as a Variant of Uncertain Significance.

NM_021116.4(ADCY1):c.89G>C (p.Arg30Pro)

Gene: ADCY1 (adenylate cyclase 1; plus strand). Cytogenetic location: 7p12.3.
Variant type: single nucleotide variant.
Coding change: c.89G>C on transcript NM_021116.4 (MANE Select); coding-DNA position 89, G replaced by C.
Protein change: p.Arg30Pro; replaces arginine 30 with proline.
Molecular consequence: missense variant. On other transcripts: intron variant (1).
Genome position (GRCh38, 1-based): chr7:45,574,632, G>C. VCF-style: chr7-45574632-G-C. GRCh37 (hg19) VCF-style: chr7-45614231-G-C.
Other names: c.89G>C (NM_021116.2); c.-330-257G>C (NM_001281768.2); short protein forms R30P.
Identifiers: ClinVar variation 2954895 (VCV002954895.4), dbSNP rs1439485446, ClinGen allele CA367558008.
Genomic context (GRCh38, chr7:45,574,632, plus strand): 5'-GCGGCGGAGGCGGCGCGGGCGAGCCCGGGGGCGCCGAGCGGGCGGCCGGGACAAGCCGCC[G>C]GCGCGGGCTCCGGGCGTGCGACGAGGAGTTCGCTTGCCCAGAGCTGGAGGCGCTGTTCCG-3'
Protein context (NP_066939.1, residues 20-40): GAERAAGTSR[Arg30Pro]RGLRACDEEF